The following is an entry in ClinVar:

NM_080680.3(COL11A2):c.4603G>C (p.Gly1535Arg)

Gene: COL11A2 (collagen type XI alpha 2 chain; minus strand). Cytogenetic location: 6p21.32.
Variant type: single nucleotide variant.
Coding change: c.4603G>C on transcript NM_080680.3 (MANE Select); coding-DNA position 4603, G replaced by C.
Protein change: p.Gly1535Arg; replaces glycine 1535 with arginine.
Molecular consequence: missense variant.
Genome position (GRCh38, 1-based): chr6:33,165,696, C>G on the plus strand (G>C on the coding strand, the complement: COL11A2 is on the minus strand). VCF-style: chr6-33165696-C-G. GRCh37 (hg19) VCF-style: chr6-33133473-C-G.
Other names: c.4282G>C, p.Gly1428Arg (NM_080679.3); c.4345G>C, p.Gly1449Arg (NM_080681.3); short protein forms G1449R, G1535R, G1428R.
Identifiers: ClinVar variation 1942258 (VCV001942258.5), dbSNP rs749448524, ClinGen allele CA363618784.

ClinVar aggregate classification (germline): Uncertain significance (1 of 4 stars; one submission).

Submission:

Labcorp Genetics (formerly Invitae), Labcorp
Classification: Uncertain significance. Last evaluated: 2022-08-15. Review status: criteria provided, single submitter. Criteria: Invitae Variant Classification Sherloc (09022015). Collection method: clinical testing. Allele origin: germline.
Comment: In summary, the available evidence is currently insufficient to determine the role of this variant in disease. Therefore, it has been classified as a Variant of Uncertain Significance. Advanced modeling of protein sequence and biophysical properties (such as structural, functional, and spatial information, amino acid conservation, physicochemical variation, residue mobility, and thermodynamic stability) performed at Invitae indicates that this missense variant is not expected to disrupt COL11A2 protein function. This variant has not been reported in the literature in individuals affected with COL11A2-related conditions. This variant is not present in population databases (gnomAD no frequency). This sequence change replaces glycine, which is neutral and non-polar, with arginine, which is basic and polar, at codon 1535 of the COL11A2 protein (p.Gly1535Arg).